The following is an entry in ClinVar:

ClinVar aggregate classification (germline): Uncertain significance (1 of 4 stars; one submission).

Conditions:
Fanconi anemia complementation group J. Also called: BRIP1-Related Fanconi Anemia. Identifiers: Orphanet 84, MedGen C1836860, MONDO:0012187, OMIM 609054.
Familial cancer of breast. Also called: Hereditary breast cancer; BREAST CANCER, FAMILIAL; hereditary breast carcinoma. Identifiers: Orphanet 227535, MedGen C0346153, MONDO:0016419, OMIM 114480. Disease mechanism: loss of function.

Submission:

Labcorp Genetics (formerly Invitae), Labcorp
Classification: Uncertain significance for Familial cancer of breast; Fanconi anemia complementation group J. Last evaluated: 2022-04-19. Review status: criteria provided, single submitter. Criteria: Invitae Variant Classification Sherloc (09022015). Collection method: clinical testing. Allele origin: germline.
Comment: This sequence change replaces glutamic acid, which is acidic and polar, with aspartic acid, which is acidic and polar, at codon 399 of the BRIP1 protein (p.Glu399Asp). This variant is not present in population databases (gnomAD no frequency). This variant has not been reported in the literature in individuals affected with BRIP1-related conditions. ClinVar contains an entry for this variant (Variation ID: 566503). Advanced modeling of protein sequence and biophysical properties (such as structural, functional, and spatial information, amino acid conservation, physicochemical variation, residue mobility, and thermodynamic stability) performed at Invitae indicates that this missense variant is expected to disrupt BRIP1 protein function. In summary, the available evidence is currently insufficient to determine the role of this variant in disease. Therefore, it has been classified as a Variant of Uncertain Significance.

NM_032043.3(BRIP1):c.1197G>C (p.Glu399Asp)

Gene: BRIP1 (BRCA1 interacting DNA helicase 1; minus strand). Cytogenetic location: 17q23.2.
Variant type: single nucleotide variant.
Coding change: c.1197G>C on transcript NM_032043.3 (MANE Select); coding-DNA position 1197, G replaced by C.
Protein change: p.Glu399Asp; replaces glutamic acid 399 with aspartic acid.
Molecular consequence: missense variant.
Genome position (GRCh38, 1-based): chr17:61,799,243, C>G on the plus strand (G>C on the coding strand, the complement: BRIP1 is on the minus strand). VCF-style: chr17-61799243-C-G. GRCh37 (hg19) VCF-style: chr17-59876604-C-G.
Other names: short protein forms E399D.
Identifiers: ClinVar variation 566503 (VCV000566503.11), dbSNP rs1567829526, ClinGen allele CA400483712.